The following is an entry in ClinVar:

NM_006514.4(SCN10A):c.1600C>T (p.Arg534Trp)

Gene: SCN10A (sodium voltage-gated channel alpha subunit 10; minus strand). Cytogenetic location: 3p22.2.
Variant type: single nucleotide variant.
Coding change: c.1600C>T on transcript NM_006514.4 (MANE Select); coding-DNA position 1600, C replaced by T.
Protein change: p.Arg534Trp; replaces arginine 534 with tryptophan.
Molecular consequence: missense variant. On other transcripts: intron variant (1).
Genome position (GRCh38, 1-based): chr3:38,752,374, G>A on the plus strand (C>T on the coding strand, the complement: SCN10A is on the minus strand). VCF-style: chr3-38752374-G-A. GRCh37 (hg19) VCF-style: chr3-38793865-G-A.
Other names: c.1600C>T, p.Arg534Trp (NM_001293306.2); c.1462-2190C>T (NM_001293307.2); c.1600C>T (NM_006514.2); short protein forms R534W.
Identifiers: ClinVar variation 407753 (VCV000407753.5), dbSNP rs542554745, ClinGen allele CA2320802.

ClinVar aggregate classification (germline): Conflicting classifications of pathogenicity. Review status: criteria provided, conflicting classifications (1 of 4 stars). 2 submissions from 2 submitters: Uncertain significance (1); Likely benign (1). Last evaluated 2025-07-09.

Conditions:
Cardiovascular phenotype. Identifiers: MedGen CN230736.
Brugada syndrome. Also called: Sudden unexplained nocturnal death syndrome; Sudden unexpected nocturnal death syndrome; Sudden Unexplained Death Syndrome; Sudden Unexplained Nocturnal Death Syndrome (SUNDS). Identifiers: Orphanet 130, MedGen C1142166, MONDO:0015263.

Allele frequency attached by ClinVar (database versions not stated): gnomAD 0.00001 and 0.00003; ExAC 0.00004; 1000 Genomes Project 0.00020; gnomAD exomes 0.00003; 1000 Genomes Project 30x 0.00016; TOPMed 0.00002.
gnomAD v4.1: 42 of 1,613,974 alleles (0.0026%); highest among the groups gnomAD compares: Middle Eastern, 0.016%; no homozygotes.

Submissions (2):

Ambry Genetics
Classification: Likely benign for Cardiovascular phenotype. Last evaluated: 2025-07-09. Review status: criteria provided, single submitter. Criteria: Ambry Variant Classification Scheme 2023. Collection method: clinical testing. Allele origin: germline.

Labcorp Genetics (formerly Invitae), Labcorp
Classification: Uncertain significance for Brugada syndrome. Last evaluated: 2024-09-14. Review status: criteria provided, single submitter. Criteria: Invitae Variant Classification Sherloc (09022015). Collection method: clinical testing. Allele origin: germline.
Comment: This sequence change replaces arginine, which is basic and polar, with tryptophan, which is neutral and slightly polar, at codon 534 of the SCN10A protein (p.Arg534Trp). This variant is present in population databases (rs542554745, gnomAD 0.01%). This variant has not been reported in the literature in individuals affected with SCN10A-related conditions. ClinVar contains an entry for this variant (Variation ID: 407753). Invitae Evidence Modeling of protein sequence and biophysical properties (such as structural, functional, and spatial information, amino acid conservation, physicochemical variation, residue mobility, and thermodynamic stability) indicates that this missense variant is not expected to disrupt SCN10A protein function with a negative predictive value of 80%. In summary, the available evidence is currently insufficient to determine the role of this variant in disease. Therefore, it has been classified as a Variant of Uncertain Significance.